The following is an entry in ClinVar:

ClinVar aggregate classification (germline): Uncertain significance (1 of 4 stars; one submission).

Conditions:
RASopathy. Also called: rasopathies; Noonan spectrum disorder. Identifiers: Orphanet 536391, MedGen C5555857, MONDO:0021060.

Allele frequency attached by ClinVar (database versions not stated): gnomAD exomes below 0.00001.
gnomAD v4.1: 1 of 1,606,982 alleles (0.000062%); highest among the groups gnomAD compares: Non-Finnish European, 0.000085%; no homozygotes.

Submission:

Labcorp Genetics (formerly Invitae), Labcorp
Classification: Uncertain significance for RASopathy. Last evaluated: 2023-11-02. Review status: criteria provided, single submitter. Criteria: Invitae Variant Classification Sherloc (09022015). Collection method: clinical testing. Allele origin: germline.
Comment: This sequence change affects a donor splice site in intron 13 of the RAF1 gene. It is expected to disrupt RNA splicing. Variants that disrupt the donor or acceptor splice site typically lead to a loss of protein function (PMID: 16199547), however the current clinical and genetic evidence is not sufficient to establish whether loss-of-function variants in RAF1 cause disease. This variant is not present in population databases (gnomAD no frequency). This variant has not been reported in the literature in individuals affected with RAF1-related conditions. In summary, the available evidence is currently insufficient to determine the role of this variant in disease. Therefore, it has been classified as a Variant of Uncertain Significance.

Literature cited by the submitters: PubMed 16199547.

NM_002880.4(RAF1):c.1417+1G>A

Gene: RAF1 (Raf-1 proto-oncogene, serine/threonine kinase; minus strand). Cytogenetic location: 3p25.2.
Variant type: single nucleotide variant.
Coding change: c.1417+1G>A on transcript NM_002880.4 (MANE Select); the canonical splice donor site of the intron after coding-DNA position 1417, G replaced by A.
Molecular consequence: splice donor variant.
Genome position (GRCh38, 1-based): chr3:12,587,590, C>T on the plus strand (G>A on the coding strand, the complement: RAF1 is on the minus strand). VCF-style: chr3-12587590-C-T. GRCh37 (hg19) VCF-style: chr3-12629089-C-T.
Other names: c.1075+1G>A (NM_001354695.3); c.1174+1G>A (NM_001354692.3, NM_001354691.3); c.1234+1G>A (NM_001354694.3); c.1318+1G>A (NM_001354693.3); c.1477+1G>A (NM_001354689.3); c.1417+1G>A (NM_001354690.3).
Identifiers: ClinVar variation 2692617 (VCV002692617.3), dbSNP rs2125331937, ClinGen allele CA351500155.
Genomic context (GRCh38, chr3:12,587,590, plus strand): 5'-CCCTTCTGTTTCCCTAAATTTAGAACCGAGCAGTCAAATGAACTCAACAACCAAAGGATA[C>T]TGTTGGATTTCATGTCTCTATGGATGATGTTCTTTGCATGCAAATAGCTGTGAAGGGAAA-3'